The following is an entry in ClinVar:

NM_001089.3(ABCA3):c.4359+2T>G

Gene: ABCA3 (ATP binding cassette subfamily A member 3; minus strand). Cytogenetic location: 16p13.3.
Variant type: single nucleotide variant.
Coding change: c.4359+2T>G on transcript NM_001089.3 (MANE Select); the canonical splice donor site of the intron after coding-DNA position 4359, T replaced by G.
Molecular consequence: splice donor variant.
Genome position (GRCh38, 1-based): chr16:2,281,025, A>C on the plus strand (T>G on the coding strand, the complement: ABCA3 is on the minus strand). VCF-style: chr16-2281025-A-C. GRCh37 (hg19) VCF-style: chr16-2331026-A-C.
Identifiers: ClinVar variation 2803901 (VCV002803901.3), dbSNP rs770589758, ClinGen allele CA394308605.

ClinVar aggregate classification (germline): Likely pathogenic (1 of 4 stars; one submission).

gnomAD v4.1: 3 of 1,613,390 alleles (0.00019%); highest among the groups gnomAD compares: Non-Finnish European, 0.00025%; no homozygotes.

Submission:

Labcorp Genetics (formerly Invitae), Labcorp
Classification: Likely pathogenic. Last evaluated: 2023-05-11. Review status: criteria provided, single submitter. Criteria: Invitae Variant Classification Sherloc (09022015). Collection method: clinical testing. Allele origin: germline.
Comment: This sequence change affects a donor splice site in intron 28 of the ABCA3 gene. It is expected to disrupt RNA splicing. Variants that disrupt the donor or acceptor splice site typically lead to a loss of protein function (PMID: 16199547), and loss-of-function variants in ABCA3 are known to be pathogenic (PMID: 27516224). This variant has not been reported in the literature in individuals affected with ABCA3-related conditions. This variant is not present in population databases (gnomAD no frequency). In summary, the currently available evidence indicates that the variant is pathogenic, but additional data are needed to prove that conclusively. Therefore, this variant has been classified as Likely Pathogenic. Algorithms developed to predict the effect of sequence changes on RNA splicing suggest that this variant may disrupt the consensus splice site.

Literature cited by the submitters: PubMed 16199547; PubMed 27516224.